The following is an entry in ClinVar:

ClinVar aggregate classification (germline): Uncertain significance (1 of 4 stars; one submission).

Conditions:
Charcot-Marie-Tooth disease axonal type 2C (HMSN2C). Also called: Charcot-Marie-Tooth Disease Type 2, TRPV4-Related (CMT2C); CHARCOT-MARIE-TOOTH DISEASE, AXONAL, AUTOSOMAL DOMINANT, TYPE 2C; Charcot-Marie-Tooth Neuropathy Type 2C. Identifiers: Orphanet 99937, MedGen C1853710, MONDO:0011633, OMIM 606071.

Allele frequency attached by ClinVar (database versions not stated): TOPMed below 0.00001; ExAC 0.00001; gnomAD exomes 0.00001; ESP Exome Variant Server 0.00008.

Submission:

Labcorp Genetics (formerly Invitae), Labcorp
Classification: Uncertain significance for Charcot-Marie-Tooth disease axonal type 2C. Last evaluated: 2025-07-29. Review status: criteria provided, single submitter. Criteria: Invitae Variant Classification Sherloc (09022015). Collection method: clinical testing. Allele origin: germline.
Comment: This sequence change replaces threonine, which is neutral and polar, with asparagine, which is neutral and polar, at codon 175 of the TRPV4 protein (p.Thr175Asn). This variant is present in population databases (rs372907955, gnomAD 0.0009%). This variant has not been reported in the literature in individuals affected with TRPV4-related conditions. ClinVar contains an entry for this variant (Variation ID: 2727117). Invitae Evidence Modeling of protein sequence and biophysical properties (such as structural, functional, and spatial information, amino acid conservation, physicochemical variation, residue mobility, and thermodynamic stability) indicates that this missense variant is not expected to disrupt TRPV4 protein function with a negative predictive value of 95%. In summary, the available evidence is currently insufficient to determine the role of this variant in disease. Therefore, it has been classified as a Variant of Uncertain Significance.

NM_021625.5(TRPV4):c.524C>A (p.Thr175Asn)

Gene: TRPV4 (transient receptor potential cation channel subfamily V member 4; minus strand). Cytogenetic location: 12q24.11.
Variant type: single nucleotide variant.
Coding change: c.524C>A on transcript NM_021625.5 (MANE Select); coding-DNA position 524, C replaced by A.
Protein change: p.Thr175Asn; replaces threonine 175 with asparagine.
Molecular consequence: missense variant.
Genome position (GRCh38, 1-based): chr12:109,808,331, G>T on the plus strand (C>A on the coding strand, the complement: TRPV4 is on the minus strand). VCF-style: chr12-109808331-G-T. GRCh37 (hg19) VCF-style: chr12-110246136-G-T.
Other names: c.524C>A, p.Thr175Asn (NM_001177428.2, NM_001177433.2, NM_147204.3); c.422C>A, p.Thr141Asn (NM_001177431.2); short protein forms T141N, T175N.
Identifiers: ClinVar variation 2727117 (VCV002727117.3), dbSNP rs372907955, ClinGen allele CA6780523.